The following is an entry in ClinVar:

NM_001267550.2(TTN):c.90427del (p.Thr30142_Val30143insTer)

Genes: TTN-AS1 (TTN antisense RNA 1; plus strand), TTN (titin; minus strand). Cytogenetic location: 2q31.2.
Variant type: Deletion.
Coding change: c.90427del on transcript NM_001267550.2 (MANE Select); coding-DNA position 90427, one base deleted (G; older notation c.90427delG).
Protein change: p.Thr30142_Val30143insTer.
Molecular consequence: nonsense.
Genome position (GRCh38, 1-based): chr2:178,552,473, C deleted on the plus strand (G on the coding strand, the reverse complement: TTN is on the minus strand). VCF-style (leftmost placement, unchanged base first): chr2-178552472-AC-A. GRCh37 (hg19) VCF-style: chr2-179417199-AC-A.
Other names: c.85504del, p.Thr28501_Val28502insTer (NM_001256850.1); c.63232del, p.Thr21077_Val21078insTer (NM_003319.4); c.82723del, p.Thr27574_Val27575insTer (NM_133378.4); c.63607del, p.Thr21202_Val21203insTer (NM_133432.3); c.63808del, p.Thr21269_Val21270insTer (NM_133437.4).
Identifiers: ClinVar variation 4794431 (VCV004794431.1).

ClinVar aggregate classification (germline): Likely pathogenic (1 of 4 stars; one submission).

Conditions:
Autosomal recessive limb-girdle muscular dystrophy type 2J (LGMDR10). Also called: MUSCULAR DYSTROPHY, LIMB-GIRDLE, AUTOSOMAL RECESSIVE 10; Limb-girdle muscular dystrophy, type 2J. Identifiers: Orphanet 140922, MedGen C1837342, MONDO:0012127, OMIM 608807.
Dilated cardiomyopathy 1G (CMD1G). Identifiers: Orphanet 154, MedGen C1858763, MONDO:0011400, OMIM 604145.

Submission:

Labcorp Genetics (formerly Invitae), Labcorp
Classification: Likely pathogenic for Dilated cardiomyopathy 1G; Autosomal recessive limb-girdle muscular dystrophy type 2J. Last evaluated: 2025-04-01. Review status: criteria provided, single submitter. Criteria: Invitae Variant Classification Sherloc (09022015). Collection method: clinical testing. Allele origin: germline.
Comment: This sequence change creates a premature translational stop signal (p.Val30143*) in the TTN gene. While this is not anticipated to result in nonsense mediated decay, it is expected to create a truncated TTN protein. This variant is not present in population databases (gnomAD no frequency). This variant has not been reported in the literature in individuals affected with TTN-related conditions. This variant is located in the A band of TTN (PMID: 25589632). Truncating variants in this region are significantly overrepresented in patients affected with dilated cardiomyopathy (PMID: 25589632). Truncating variants in this region have also been reported in individuals affected with autosomal recessive centronuclear myopathy (PMID: 23975875). In summary, the currently available evidence indicates that the variant is pathogenic, but additional data are needed to prove that conclusively. Therefore, this variant has been classified as Likely Pathogenic.

Literature cited by the submitters: PubMed 25589632; PubMed 23975875.